The following is an entry in ClinVar:

NM_016507.4(CDK12):c.3725G>A (p.Arg1242Gln)

Gene: CDK12 (cyclin dependent kinase 12; plus strand). Cytogenetic location: 17q12.
Variant type: single nucleotide variant.
Coding change: c.3725G>A on transcript NM_016507.4 (MANE Select); coding-DNA position 3725, G replaced by A.
Protein change: p.Arg1242Gln; replaces arginine 1242 with glutamine.
Molecular consequence: missense variant.
Genome position (GRCh38, 1-based): chr17:39,526,281, G>A. VCF-style: chr17-39526281-G-A. GRCh37 (hg19) VCF-style: chr17-37682534-G-A.
Other names: c.3725G>A, p.Arg1242Gln (NM_015083.4); short protein forms R1242Q.
Identifiers: ClinVar variation 3489263 (VCV003489263.1).

ClinVar aggregate classification (germline): Uncertain significance (1 of 4 stars; one submission).

gnomAD v4.1: 14 of 1,601,466 alleles (0.00087%); highest among the groups gnomAD compares: Admixed American, 0.0017%; no homozygotes.

Submission:

Ambry Genetics
Classification: Uncertain significance. Last evaluated: 2024-11-23. Review status: criteria provided, single submitter. Criteria: Ambry Variant Classification Scheme 2023. Collection method: clinical testing. Allele origin: germline.
Comment: The p.R1242Q variant (also known as c.3725G>A), located in coding exon 13 of the CDK12 gene, results from a G to A substitution at nucleotide position 3725. The arginine at codon 1242 is replaced by glutamine, an amino acid with highly similar properties. This amino acid position is conserved. In addition, this alteration is predicted to be tolerated by in silico analysis. Based on the available evidence, the clinical significance of this variant remains unclear.